The following is an entry in ClinVar:

ClinVar aggregate classification (germline): Uncertain significance. Review status: criteria provided, multiple submitters, no conflicts (2 of 4 stars). 2 submissions from 2 submitters: Uncertain significance (2). Last evaluated 2022-01-13.

Conditions:
Epidermolysis bullosa, junctional 7, with interstitial lung disease and nephrotic syndrome. Also called: Interstitial Lung Disease with Nephrotic Syndrome and Epidermolysis Bullosa; Interstitial lung disease, nephrotic syndrome, and epidermolysis bullosa, congenital. Identifiers: Orphanet 306504, MedGen C4518785, MONDO:0013881, OMIM 614748.

Allele frequency attached by ClinVar (database versions not stated): gnomAD 0.00001.

Submissions (2):

GeneDx
Classification: Uncertain significance. Last evaluated: 2022-01-13. Review status: criteria provided, single submitter. Criteria: GeneDx Variant Classification Process June 2021. Collection method: clinical testing. Allele origin: germline. Affected: yes.
Comment: Has not been previously published as pathogenic or benign to our knowledge; In silico analysis supports that this missense variant does not alter protein structure/function

Fulgent Genetics
Classification: Uncertain significance for Epidermolysis bullosa, junctional 7, with interstitial lung disease and nephrotic syndrome. Last evaluated: 2021-10-06. Review status: criteria provided, single submitter. Criteria: ACMG Guidelines, 2015. Collection method: clinical testing. Allele origin: unknown.

NM_002204.4(ITGA3):c.1994G>A (p.Arg665His)

Gene: ITGA3 (integrin subunit alpha 3; plus strand). Cytogenetic location: 17q21.33.
Variant type: single nucleotide variant.
Coding change: c.1994G>A on transcript NM_002204.4 (MANE Select); coding-DNA position 1994, G replaced by A.
Protein change: p.Arg665His; replaces arginine 665 with histidine.
Molecular consequence: missense variant.
Genome position (GRCh38, 1-based): chr17:50,077,045, G>A. VCF-style: chr17-50077045-G-A. GRCh37 (hg19) VCF-style: chr17-48154409-G-A.
Other names: short protein forms R665H.
Identifiers: ClinVar variation 1334379 (VCV001334379.3), dbSNP rs1908944600, ClinGen allele CA400183663.